The following is an entry in ClinVar:

NM_032043.3(BRIP1):c.384C>T (p.Ser128=)

Gene: BRIP1 (BRCA1 interacting DNA helicase 1; minus strand). Cytogenetic location: 17q23.2.
Variant type: single nucleotide variant.
Coding change: c.384C>T on transcript NM_032043.3 (MANE Select); coding-DNA position 384, C replaced by T.
Protein change: p.Ser128=; no amino-acid change (serine 128 retained).
Molecular consequence: synonymous variant.
Genome position (GRCh38, 1-based): chr17:61,849,252, G>A on the plus strand (C>T on the coding strand, the complement: BRIP1 is on the minus strand). VCF-style: chr17-61849252-G-A. GRCh37 (hg19) VCF-style: chr17-59926613-G-A.
Other names: c.384C>T (NM_032043.2).
Identifiers: ClinVar variation 1116643 (VCV001116643.13), dbSNP rs1555616231, ClinGen allele CA501150934.

ClinVar aggregate classification (germline): Benign/Likely benign. Review status: criteria provided, multiple submitters, no conflicts (2 of 4 stars). 4 submissions from 4 submitters: Benign (1); Likely benign (3). Last evaluated 2025-10-20.

Conditions:
Familial cancer of breast. Also called: BREAST CANCER, FAMILIAL; Hereditary breast cancer; hereditary breast carcinoma. Identifiers: Orphanet 227535, MedGen C0346153, MONDO:0016419, OMIM 114480. Disease mechanism: loss of function.
Fanconi anemia complementation group J. Also called: BRIP1-Related Fanconi Anemia. Identifiers: Orphanet 84, MedGen C1836860, MONDO:0012187, OMIM 609054.
Hereditary cancer-predisposing syndrome. Also called: Neoplastic Syndromes, Hereditary; Hereditary Cancer Syndrome; Hereditary neoplastic syndrome; Tumor predisposition. Identifiers: Orphanet 140162, MedGen C0027672, MeSH D009386, MONDO:0015356.

Allele frequency attached by ClinVar (database versions not stated): gnomAD exomes below 0.00001.
gnomAD v4.1: 2 of 1,611,874 alleles (0.00012%); highest among the groups gnomAD compares: South Asian, 0.0011%; no homozygotes.

Submissions (4):

Color Diagnostics, LLC DBA Color Health
Classification: Likely benign for Hereditary cancer-predisposing syndrome. Last evaluated: 2025-10-20. Review status: criteria provided, single submitter. Criteria: ACMG Guidelines, 2015. Collection method: clinical testing. Allele origin: germline.

Myriad Genetics, Inc.
Classification: Benign for Familial cancer of breast. Last evaluated: 2024-08-21. Review status: criteria provided, single submitter. Criteria: Myriad Autosomal Dominant, Autosomal Recessive and X-Linked Classification Criteria (2023). Collection method: clinical testing. Allele origin: unknown.
Comment: This variant is considered benign. This variant is a silent/synonymous amino acid change and it is not expected to impact splicing.

Labcorp Genetics (formerly Invitae), Labcorp
Classification: Likely benign for Familial cancer of breast; Fanconi anemia complementation group J. Last evaluated: 2024-04-15. Review status: criteria provided, single submitter. Criteria: Invitae Variant Classification Sherloc (09022015). Collection method: clinical testing. Allele origin: germline.

Ambry Genetics
Classification: Likely benign for Hereditary cancer-predisposing syndrome. Last evaluated: 2023-04-16. Review status: criteria provided, single submitter. Criteria: Ambry Variant Classification Scheme 2023. Collection method: clinical testing. Allele origin: germline.